The following is an entry in ClinVar:

ClinVar aggregate classification (germline): Pathogenic (1 of 4 stars; one submission).

Conditions:
Cone-rod dystrophy 6 (CORD6). Also called: RETINAL CONE DYSTROPHY 2; Cone dystrophy progressive. Identifiers: Orphanet 1872, MedGen C1866293, MONDO:0011143, OMIM 601777.
Leber congenital amaurosis 1 (LCA1). Also called: RETINAL BLINDNESS, CONGENITAL; Congenital absence of the rods and cones; Leber's congenital tapetoretinal degeneration; Leber's congenital tapetoretinal dysplasia; AMAUROSIS CONGENITA OF LEBER I. Identifiers: Orphanet 65, MedGen C2931258, MONDO:0008764, OMIM 204000.

Submission:

Labcorp Genetics (formerly Invitae), Labcorp
Classification: Pathogenic for Leber congenital amaurosis 1; Cone-rod dystrophy 6. Last evaluated: 2023-12-01. Review status: criteria provided, single submitter. Criteria: Invitae Variant Classification Sherloc (09022015). Collection method: clinical testing. Allele origin: germline.
Comment: This sequence change creates a premature translational stop signal (p.Pro765Serfs*54) in the GUCY2D gene. It is expected to result in an absent or disrupted protein product. Loss-of-function variants in GUCY2D are known to be pathogenic (PMID: 10951519, 11328726). This variant is not present in population databases (gnomAD no frequency). This variant has not been reported in the literature in individuals affected with GUCY2D-related conditions. Algorithms developed to predict the effect of sequence changes on RNA splicing suggest that this variant may disrupt the consensus splice site. For these reasons, this variant has been classified as Pathogenic.

Literature cited by the submitters: PubMed 10951519; PubMed 11328726.

NM_000180.4(GUCY2D):c.2291dup (p.Pro765fs)

Gene: GUCY2D (guanylate cyclase 2D, retinal; plus strand). Cytogenetic location: 17p13.1.
Variant type: Duplication.
Coding change: c.2291dup on transcript NM_000180.4 (MANE Select); coding-DNA position 2291, one base duplicated (C; older notation c.2291dupC).
Protein change: p.Pro765fs; shifts the reading frame from proline 765.
Molecular consequence: frameshift variant.
Genome position (GRCh38, 1-based): chr17:8,013,907, C duplicated; the last of 6 consecutive C bases (chr17:8,013,902-8,013,907); duplicating any one gives the same sequence. VCF-style (leftmost placement, unchanged base first): chr17-8013901-G-GC. GRCh37 (hg19) VCF-style: chr17-7917219-G-GC.
Other names: short protein forms P765fs.
Identifiers: ClinVar variation 2954361 (VCV002954361.3), dbSNP rs772242251, ClinGen allele CA2740095246.